The following is an entry in ClinVar:

NM_001042492.3(NF1):c.6643-1G>T

Gene: NF1 (neurofibromin 1; plus strand). Cytogenetic location: 17q11.2.
Variant type: single nucleotide variant.
Coding change: c.6643-1G>T on transcript NM_001042492.3 (MANE Select); the canonical splice acceptor site of the intron before coding-DNA position 6643, G replaced by T.
Molecular consequence: splice acceptor variant.
Genome position (GRCh38, 1-based): chr17:31,337,818, G>T. VCF-style: chr17-31337818-G-T. GRCh37 (hg19) VCF-style: chr17-29664836-G-T.
Other names: c.6580-1G>T (NM_000267.4).
Identifiers: ClinVar variation 2018501 (VCV002018501.4), dbSNP rs2151557367, ClinGen allele CA399013652.

ClinVar aggregate classification (germline): Pathogenic (1 of 4 stars; one submission).

Conditions:
Neurofibromatosis, type 1 (NF1). Also called: NEUROFIBROMATOSIS, TYPE I, SOMATIC; Neurofibromatosis, type I; Peripheral type neurofibromatosis; VON RECKLINGHAUSEN DISEASE. Identifiers: Orphanet 636, MedGen C0027831, MONDO:0018975, OMIM 162200. Disease mechanism: loss of function.

Submission:

Labcorp Genetics (formerly Invitae), Labcorp
Classification: Pathogenic for Neurofibromatosis, type 1. Last evaluated: 2022-07-21. Review status: criteria provided, single submitter. Criteria: Invitae Variant Classification Sherloc (09022015). Collection method: clinical testing. Allele origin: germline.
Comment: For these reasons, this variant has been classified as Pathogenic. Algorithms developed to predict the effect of sequence changes on RNA splicing suggest that this variant may disrupt the consensus splice site. Disruption of this splice site has been observed in individual(s) with neurofibromatosis type 1 (PMID: 31776437; Invitae). This variant is not present in population databases (gnomAD no frequency). This sequence change affects an acceptor splice site in intron 42 of the NF1 gene. It is expected to disrupt RNA splicing. Variants that disrupt the donor or acceptor splice site typically lead to a loss of protein function (PMID: 16199547), and loss-of-function variants in NF1 are known to be pathogenic (PMID: 10712197, 23913538).

Literature cited by the submitters: PubMed 31776437; PubMed 16199547; PubMed 10712197; PubMed 23913538.